The following is an entry in ClinVar:

NM_005076.5(CNTN2):c.3047G>A (p.Arg1016His)

Gene: CNTN2 (contactin 2; plus strand). Cytogenetic location: 1q32.1.
Variant type: single nucleotide variant.
Coding change: c.3047G>A on transcript NM_005076.5 (MANE Select); coding-DNA position 3047, G replaced by A.
Protein change: p.Arg1016His; replaces arginine 1016 with histidine.
Molecular consequence: missense variant. On other transcripts: non-coding transcript variant (1).
Genome position (GRCh38, 1-based): chr1:205,073,689, G>A. VCF-style: chr1-205073689-G-A. GRCh37 (hg19) VCF-style: chr1-205042817-G-A.
Other names: c.3047G>A, p.Arg1016His (NM_001346083.2); c.3047G>A (NM_005076.3); short protein forms R1016H.
Identifiers: ClinVar variation 1010369 (VCV001010369.7), dbSNP rs554176359, ClinGen allele CA1351866.
Genomic context (GRCh38, chr1:205,073,689, plus strand): 5'-AGCTGACTCAGCTTGTGCTGGTTTCAGGCACAAGCATGATGGTGGAGAACATGGCAGTCC[G>A]CCCAGCACCACACCCTGGCACCGTCATTTCCCACTCCGTGGCGATGCTGATCCTCATAGG-3'
Protein context (NP_005067.1, residues 1006-1026): TSMMVENMAV[Arg1016His]PAPHPGTVIS

ClinVar aggregate classification (germline): Uncertain significance. Review status: criteria provided, multiple submitters, no conflicts (2 of 4 stars). 2 submissions from 2 submitters: Uncertain significance (2). Last evaluated 2022-06-16.

Conditions:
Epilepsy, familial adult myoclonic, 5 (EPEO5). Also called: CORTICAL MYOCLONIC TREMOR WITH EPILEPSY, FAMILIAL, 5. Identifiers: Orphanet 86814, MedGen C3809374, MONDO:0014167, OMIM 615400.

Allele frequency attached by ClinVar (database versions not stated): gnomAD 0.00001; TOPMed 0.00001; ExAC 0.00002; gnomAD exomes 0.00003; 1000 Genomes Project 0.00020; 1000 Genomes Project 30x 0.00031.
gnomAD v4.1: 19 of 1,613,930 alleles (0.0012%); highest among the groups gnomAD compares: African/African-American, 0.0067%; no homozygotes.

Submissions (2):

Labcorp Genetics (formerly Invitae), Labcorp
Classification: Uncertain significance for Epilepsy, familial adult myoclonic, 5. Last evaluated: 2022-06-16. Review status: criteria provided, single submitter. Criteria: Invitae Variant Classification Sherloc (09022015). Collection method: clinical testing. Allele origin: germline.
Comment: This sequence change replaces arginine, which is basic and polar, with histidine, which is basic and polar, at codon 1016 of the CNTN2 protein (p.Arg1016His). This variant is present in population databases (rs554176359, gnomAD 0.007%). This variant has not been reported in the literature in individuals affected with CNTN2-related conditions. ClinVar contains an entry for this variant (Variation ID: 1010369). Advanced modeling of protein sequence and biophysical properties (such as structural, functional, and spatial information, amino acid conservation, physicochemical variation, residue mobility, and thermodynamic stability) performed at Invitae indicates that this missense variant is not expected to disrupt CNTN2 protein function. In summary, the available evidence is currently insufficient to determine the role of this variant in disease. Therefore, it has been classified as a Variant of Uncertain Significance.

Ambry Genetics
Classification: Uncertain significance. Last evaluated: 2021-09-16. Review status: criteria provided, single submitter. Criteria: Ambry Variant Classification Scheme 2023. Collection method: clinical testing. Allele origin: germline.